The following is an entry in ClinVar:

NM_004517.4(ILK):c.521G>A (p.Arg174His)

Genes: TAF10 (TATA-box binding protein associated factor 10; minus strand), ILK (integrin linked kinase; plus strand). Cytogenetic location: 11p15.4.
Variant type: single nucleotide variant.
Coding change: c.521G>A on transcript NM_004517.4 (MANE Select); coding-DNA position 521, G replaced by A.
Protein change: p.Arg174His; replaces arginine 174 with histidine.
Molecular consequence: missense variant. On other transcripts: 3 prime UTR variant (1).
Genome position (GRCh38, 1-based): chr11:6,608,956, G>A. VCF-style: chr11-6608956-G-A. GRCh37 (hg19) VCF-style: chr11-6630187-G-A.
Other names: c.521G>A, p.Arg174His (NM_001014794.3, NM_001014795.3); c.424G>A, p.Ala142Thr (NM_001278441.2); c.119G>A, p.Arg40His (NM_001278442.2); c.*1966C>T (NM_006284.4); short protein forms R174H, A142T, R40H.
Identifiers: ClinVar variation 520250 (VCV000520250.12), dbSNP rs192233749, ClinGen allele CA5858079.

ClinVar aggregate classification (germline): Uncertain significance. Review status: criteria provided, multiple submitters, no conflicts (2 of 4 stars). 2 submissions from 2 submitters: Uncertain significance (2). Last evaluated 2026-01-13.

Conditions:
Primary familial hypertrophic cardiomyopathy (HCM). Identifiers: Orphanet 99739, MedGen C0949658, MeSH D024741, MONDO:0024573. Inheritance: Various modes of inheritance.
Cardiovascular phenotype. Identifiers: MedGen CN230736.

Allele frequency attached by ClinVar (database versions not stated): gnomAD 0.00005 and 0.00004; TOPMed 0.00015; 1000 Genomes Project 30x 0.00016; ExAC 0.00002; gnomAD exomes 0.00003; 1000 Genomes Project 0.00020.
gnomAD v4.1: 55 of 1,614,140 alleles (0.0034%); highest among the groups gnomAD compares: Admixed American, 0.013%; no homozygotes.

Submissions (2):

Labcorp Genetics (formerly Invitae), Labcorp
Classification: Uncertain significance for Primary familial hypertrophic cardiomyopathy. Last evaluated: 2026-01-13. Review status: criteria provided, single submitter. Criteria: Invitae Variant Classification Sherloc (09022015). Collection method: clinical testing. Allele origin: germline.
Comment: This sequence change replaces arginine, which is basic and polar, with histidine, which is basic and polar, at codon 174 of the ILK protein (p.Arg174His). This variant is present in population databases (rs192233749, gnomAD 0.006%). This variant has not been reported in the literature in individuals affected with ILK-related conditions. ClinVar contains an entry for this variant (Variation ID: 520250). An algorithm developed to predict the effect of missense changes on protein structure and function (PolyPhen-2) suggests that this variant is likely to be tolerated. In summary, the available evidence is currently insufficient to determine the role of this variant in disease. Therefore, it has been classified as a Variant of Uncertain Significance.

Ambry Genetics
Classification: Uncertain significance for Cardiovascular phenotype. Last evaluated: 2013-01-22. Review status: criteria provided, single submitter. Criteria: Ambry Autosomal Dominant and X-Linked criteria (10/2015). Collection method: clinical testing. Allele origin: germline. Observed: 1 variant allele.
Comment: There is insufficient or conflicting evidence for classification of this alteration.